The following is an entry in ClinVar:

ClinVar aggregate classification (germline): Likely pathogenic. Review status: criteria provided, multiple submitters, no conflicts (2 of 4 stars). 2 submissions from 2 submitters: Likely pathogenic (2). Last evaluated 2026-08-06.

Conditions:
Cardiovascular phenotype. Identifiers: MedGen CN230736.
Dilated cardiomyopathy 1G (CMD1G). Identifiers: Orphanet 154, MedGen C1858763, MONDO:0011400, OMIM 604145.
Autosomal recessive limb-girdle muscular dystrophy type 2J (LGMDR10). Also called: Limb-girdle muscular dystrophy, type 2J; MUSCULAR DYSTROPHY, LIMB-GIRDLE, AUTOSOMAL RECESSIVE 10. Identifiers: Orphanet 140922, MedGen C1837342, MONDO:0012127, OMIM 608807.

Submissions (2):

Ambry Genetics
Classification: Likely pathogenic for Cardiovascular phenotype. Last evaluated: 2026-08-06. Review status: criteria provided, single submitter. Criteria: Ambry Variant Classification Scheme 2023. Collection method: clinical testing. Allele origin: germline.
Comment: The c.16666delG (p.D5556Mfs*5) alteration, located in exon 65 (coding exon 64) of the TTN gene, consists of a deletion of one nucleotide at position 16666, causing a translational frameshift with a predicted alternate stop codon after 5 amino acids. This variant is expected to result in loss of function by premature protein truncation or nonsense-mediated mRNA decay. This variant was not reported in population-based cohorts in the Genome Aggregation Database (gnomAD). This exon is located in the I-band region of the N2-B isoform of the titin protein and is constitutively expressed in TTN transcripts (percent spliced in or PSI 100%). While truncating variants in TTN are present in 1-3% of the general population, truncating variants in the A-band are the most common cause of dilated cardiomyopathy (Herman, 2012; Roberts, 2015). TTN truncating variants encoded in constitutive exons (PSI >90%) have been found to be significantly associated with DCM regardless of their position in titin (Schafer, 2017; Akhtar, 2020; Massier, 2025). Based on the available evidence, this alteration is classified as likely pathogenic.

Labcorp Genetics (formerly Invitae), Labcorp
Classification: Likely pathogenic for Dilated cardiomyopathy 1G; Autosomal recessive limb-girdle muscular dystrophy type 2J. Last evaluated: 2024-10-18. Review status: criteria provided, single submitter. Criteria: Invitae Variant Classification Sherloc (09022015). Collection method: clinical testing. Allele origin: germline.
Comment: This sequence change creates a premature translational stop signal (p.Asp14621Metfs*5) in the TTN gene. While this is not anticipated to result in nonsense mediated decay, it is expected to create a truncated TTN protein. This variant is not present in population databases (gnomAD no frequency). This variant has not been reported in the literature in individuals affected with TTN-related conditions. This variant is located in the I band of TTN (PMID: 25589632). Truncating variants in this region have been reported in individuals affected with autosomal recessive centronuclear myopathy (PMID: 23975875, internal data). Truncating variants in this region have also been identified in individuals affected with autosomal dominant dilated cardiomyopathy and/or cardio-related conditions (PMID: 27869827, 32964742, internal data). In summary, the currently available evidence indicates that the variant is pathogenic, but additional data are needed to prove that conclusively. Therefore, this variant has been classified as Likely Pathogenic.

Literature cited by the submitters: PubMed 22335739 (cited by Ambry Genetics); PubMed 25589632 (cited by Ambry Genetics and Labcorp Genetics (formerly Invitae), Labcorp); PubMed 27869827 (cited by Ambry Genetics and Labcorp Genetics (formerly Invitae), Labcorp); PubMed 32964742 (cited by Ambry Genetics and Labcorp Genetics (formerly Invitae), Labcorp); PubMed 39844436 (cited by Ambry Genetics); PubMed 23975875 (cited by Labcorp Genetics (formerly Invitae), Labcorp).

NM_001267550.2(TTN):c.43861del (p.Asp14621fs)

Gene: TTN (titin; minus strand). Cytogenetic location: 2q31.2.
Variant type: Deletion.
Coding change: c.43861del on transcript NM_001267550.2 (MANE Select); coding-DNA position 43861, one base deleted (G; older notation c.43861delG).
Protein change: p.Asp14621fs; shifts the reading frame from aspartic acid 14621.
Molecular consequence: frameshift variant.
Genome position (GRCh38, 1-based): chr2:178,631,187, C deleted on the plus strand (G on the coding strand, the reverse complement: TTN is on the minus strand); the first of 2 consecutive C bases (chr2:178,631,187-178,631,188); deleting either gives the same sequence. VCF-style (leftmost placement, unchanged base first): chr2-178631186-TC-T. GRCh37 (hg19) VCF-style: chr2-179495913-TC-T.
Other names: c.16666delG (NM_003319.4); c.38938del, p.Asp12980fs (NM_001256850.1); c.16666del, p.Asp5556fs (NM_003319.4); c.36157del, p.Asp12053fs (NM_133378.4); c.17041del, p.Asp5681fs (NM_133432.3); c.17242del, p.Asp5748fs (NM_133437.4); short protein forms D12053fs, D5681fs, D14621fs, D5748fs, D12980fs, D5556fs.
Identifiers: ClinVar variation 2948119 (VCV002948119.4), dbSNP rs2471417565, ClinGen allele CA2740095927.